The following is an entry in ClinVar:

NM_001377.3(DYNC2H1):c.2147A>G (p.Gln716Arg)

Gene: DYNC2H1 (dynein cytoplasmic 2 heavy chain 1; plus strand). Cytogenetic location: 11q22.3.
Variant type: single nucleotide variant.
Coding change: c.2147A>G on transcript NM_001377.3 (MANE Select); coding-DNA position 2147, A replaced by G.
Protein change: p.Gln716Arg; replaces glutamine 716 with arginine.
Molecular consequence: missense variant.
Genome position (GRCh38, 1-based): chr11:103,134,361, A>G. VCF-style: chr11-103134361-A-G. GRCh37 (hg19) VCF-style: chr11-103005090-A-G.
Other names: c.2147A>G, p.Gln716Arg (NM_001080463.2); short protein forms Q716R.
Identifiers: ClinVar variation 2629358 (VCV002629358.1), dbSNP rs2496909364, ClinGen allele CA382258688.

ClinVar aggregate classification (germline): Uncertain significance (1 of 4 stars; one submission).

Conditions:
DYNC2H1-related disorder. Also called: DYNC2H1-related condition; DYNC2H1-related disorders. Identifiers: MedGen CN378770.

Allele frequency attached by ClinVar (database versions not stated): gnomAD exomes 0.00001.
gnomAD v4.1: 3 of 1,612,562 alleles (0.00019%); highest among the groups gnomAD compares: Non-Finnish European, 0.00025%; no homozygotes.

Submission:

PreventionGenetics, part of Exact Sciences
Classification: Uncertain significance for DYNC2H1-related condition. Last evaluated: 2023-02-19. Review status: criteria provided, single submitter. Criteria: ACMG Guidelines, 2015. Collection method: clinical testing. Allele origin: germline.
Comment: The DYNC2H1 c.2147A>G variant is predicted to result in the amino acid substitution p.Gln716Arg. To our knowledge, this variant has not been reported in the literature or in a large population database, indicating this variant is rare. At this time, the clinical significance of this variant is uncertain due to the absence of conclusive functional and genetic evidence.